The following is an entry in ClinVar:

ClinVar aggregate classification (germline): Pathogenic (1 of 4 stars; one submission).

Conditions:
Primary ciliary dyskinesia 3. Identifiers: Orphanet 244, MedGen C1837618, MONDO:0012085, OMIM 608644.

Submission:

Myriad Genetics, Inc.
Classification: Pathogenic for Primary ciliary dyskinesia 3. Last evaluated: 2024-05-14. Review status: criteria provided, single submitter. Criteria: Myriad Autosomal Dominant, Autosomal Recessive and X-Linked Classification Criteria (2023). Collection method: clinical testing. Allele origin: unknown.
Comment: NM_001369.2(DNAH5):c.11143_11144ins11(D3715Gfs*10) is expected to be pathogenic in the context of primary ciliary dyskinesia, DNAH5-related. This variant is predicted to lead to an abnormal or absent protein product due to the creation of a premature termination codon in DNAH5, a gene where loss-of-function variants are known to be pathogenic. Please note: this variant was assessed in the context of healthy population screening.

NM_001369.3(DNAH5):c.11143_11144insGAGGGAGCCAC (p.Asp3715fs)

Gene: DNAH5 (dynein axonemal heavy chain 5; minus strand). Cytogenetic location: 5p15.2.
Variant type: Insertion.
Coding change: c.11143_11144insGAGGGAGCCAC on transcript NM_001369.3 (MANE Select); coding-DNA positions 11143 to 11144, GAGGGAGCCAC inserted.
Protein change: p.Asp3715fs; shifts the reading frame from aspartic acid 3715.
Molecular consequence: frameshift variant.
Genome position: GRCh38 VCF-style: chr5-13751145-T-TGTGGCTCCCTC. GRCh37 (hg19) VCF-style: chr5-13751254-T-TGTGGCTCCCTC.
Other names: short protein forms D3715fs.
Identifiers: ClinVar variation 5010693 (VCV005010693.1).
Genomic context (GRCh38, chr5:13,751,145, plus strand): 5'-TCTGTGAGAATGACCCTCCCCAGTAACTGATCTTCTAGACCTTTCATGGTGACAGTGAAG[T>TGTGGCTCCCTC]CAATGATGGAGGTACGGGCACTTATCTCAGGGGTGTAGGCTGGGTTAGGCAATTTGGTGG-3'